The following is an entry in ClinVar:

NM_014336.5(AIPL1):c.1028C>T (p.Pro343Leu)

Gene: AIPL1 (AIP like 1 HSP90 co-chaperone; minus strand). Cytogenetic location: 17p13.2.
Variant type: single nucleotide variant.
Coding change: c.1028C>T on transcript NM_014336.5 (MANE Select); coding-DNA position 1028, C replaced by T.
Protein change: p.Pro343Leu; replaces proline 343 with leucine.
Molecular consequence: missense variant. On other transcripts: 3 prime UTR variant (1).
Genome position (GRCh38, 1-based): chr17:6,425,587, G>A on the plus strand (C>T on the coding strand, the complement: AIPL1 is on the minus strand). VCF-style: chr17-6425587-G-A. GRCh37 (hg19) VCF-style: chr17-6328907-G-A.
Other names: c.1028C>T (NM_014336.3); c.839C>T, p.Pro280Leu (NM_001033054.3); c.848C>T, p.Pro283Leu (NM_001033055.3); c.992C>T, p.Pro331Leu (NM_001285399.3); c.962C>T, p.Pro321Leu (NM_001285400.3); c.956C>T, p.Pro319Leu (NM_001285401.3); c.911C>T, p.Pro304Leu (NM_001285402.2); c.*999C>T (NM_001285403.4); short protein forms P280L, P283L, P304L, P319L, P321L, P331L, P343L.
Identifiers: ClinVar variation 1019217 (VCV001019217.13), dbSNP rs778794784, ClinGen allele CA8328327.

ClinVar aggregate classification (germline): Uncertain significance. Review status: criteria provided, multiple submitters, no conflicts (2 of 4 stars). 6 submissions from 6 submitters: Uncertain significance (3). 3 of the submissions do not count toward it. Last evaluated 2025-11-20.

Conditions:
Retinal dystrophy. Also called: Inherited retinal dystrophy. Identifiers: Orphanet 71862, MedGen C0854723, MeSH D058499, MONDO:0019118, HP:0000556.
Leber congenital amaurosis 4 (LCA4). Identifiers: MedGen C1858386, MONDO:0011458, OMIM 604393.
Inborn genetic diseases. Identifiers: MedGen C0950123, MeSH D030342.

Allele frequency attached by ClinVar (database versions not stated): gnomAD 0.00001; TOPMed 0.00001; ExAC 0.00004; gnomAD exomes 0.00004.
gnomAD v4.1: 34 of 1,613,310 alleles (0.0021%); highest among the groups gnomAD compares: Non-Finnish European, 0.0026%; no homozygotes.

Submissions (6):

Ambry Genetics
Classification: Uncertain significance for Inborn genetic diseases. Last evaluated: 2025-11-20. Review status: criteria provided, single submitter. Criteria: Ambry Variant Classification Scheme 2023. Collection method: clinical testing. Allele origin: germline.

Blueprint Genetics
Classification: Uncertain significance. Last evaluated: 2024-11-13. Review status: criteria provided, single submitter. Criteria: ACMG Guidelines, 2015. Collection method: clinical testing. Allele origin: germline.

Labcorp Genetics (formerly Invitae), Labcorp
Classification: Uncertain significance for Leber congenital amaurosis 4. Last evaluated: 2024-02-24. Review status: criteria provided, single submitter. Criteria: Invitae Variant Classification Sherloc (09022015). Collection method: clinical testing. Allele origin: germline.
Comment: This sequence change replaces proline, which is neutral and non-polar, with leucine, which is neutral and non-polar, at codon 343 of the AIPL1 protein (p.Pro343Leu). This variant is present in population databases (rs778794784, gnomAD 0.009%). This variant has not been reported in the literature in individuals affected with AIPL1-related conditions. ClinVar contains an entry for this variant (Variation ID: 1019217). Experimental studies and prediction algorithms are not available or were not evaluated, and the functional significance of this variant is currently unknown. In summary, the available evidence is currently insufficient to determine the role of this variant in disease. Therefore, it has been classified as a Variant of Uncertain Significance.

Institute of Human Genetics, Univ. Regensburg, Univ. Regensburg
Classification: Uncertain significance for Retinal dystrophy. Last evaluated: 2023-01-01. Review status: no assertion criteria provided. Criteria: ACMG Guidelines, 2015. Collection method: clinical testing. Allele origin: germline. Affected: yes. Not counted in ClinVar's aggregate classification.

Clinical Genetics DNA and cytogenetics Diagnostics Lab, Erasmus MC, Erasmus Medical Center
Classification: Uncertain significance. Review status: no assertion criteria provided. Collection method: clinical testing. Allele origin: germline. Affected: yes. Study: VKGL Data-share Consensus. Not counted in ClinVar's aggregate classification.

Clinical Genetics, Academic Medical Center
Classification: Uncertain significance. Review status: no assertion criteria provided. Collection method: clinical testing. Allele origin: germline. Affected: yes. Study: VKGL Data-share Consensus. Not counted in ClinVar's aggregate classification.